The following is an entry in ClinVar:

ClinVar aggregate classification (germline): Uncertain significance. Review status: criteria provided, multiple submitters, no conflicts (2 of 4 stars). 2 submissions from 2 submitters: Uncertain significance (2). Last evaluated 2023-11-15.

Conditions:
Hereditary cancer-predisposing syndrome. Also called: Neoplastic Syndromes, Hereditary; Tumor predisposition; Hereditary Cancer Syndrome; Hereditary neoplastic syndrome. Identifiers: Orphanet 140162, MedGen C0027672, MeSH D009386, MONDO:0015356.
Rhabdoid tumor predisposition syndrome 2 (RTPS2). Identifiers: Orphanet 231108, Orphanet 69077, MedGen C2750074, MONDO:0013224, OMIM 613325.

Submissions (2):

Labcorp Genetics (formerly Invitae), Labcorp
Classification: Uncertain significance for Rhabdoid tumor predisposition syndrome 2. Last evaluated: 2023-11-15. Review status: criteria provided, single submitter. Criteria: Invitae Variant Classification Sherloc (09022015). Collection method: clinical testing. Allele origin: germline.
Comment: This sequence change replaces aspartic acid, which is acidic and polar, with histidine, which is basic and polar, at codon 362 of the SMARCA4 protein (p.Asp362His). This variant is not present in population databases (gnomAD no frequency). This variant has not been reported in the literature in individuals affected with SMARCA4-related conditions. ClinVar contains an entry for this variant (Variation ID: 1787329). Advanced modeling of protein sequence and biophysical properties (such as structural, functional, and spatial information, amino acid conservation, physicochemical variation, residue mobility, and thermodynamic stability) performed at Invitae indicates that this missense variant is expected to disrupt SMARCA4 protein function with a positive predictive value of 95%. In summary, the available evidence is currently insufficient to determine the role of this variant in disease. Therefore, it has been classified as a Variant of Uncertain Significance.

Ambry Genetics
Classification: Uncertain significance for Hereditary cancer-predisposing syndrome. Last evaluated: 2021-08-06. Review status: criteria provided, single submitter. Criteria: Ambry Variant Classification Scheme 2023. Collection method: clinical testing. Allele origin: germline.
Comment: The p.D362H variant (also known as c.1084G>C), located in coding exon 5 of the SMARCA4 gene, results from a G to C substitution at nucleotide position 1084. The aspartic acid at codon 362 is replaced by histidine, an amino acid with similar properties. This amino acid position is highly conserved in available vertebrate species. In addition, this alteration is predicted to be deleterious by in silico analysis. Missense and in-frame variants in SMARCA4 are known to cause neurodevelopmental disorders; however, such associations with rhabdoid tumor predisposition syndrome including small cell carcinoma of the ovary-hypercalcemic type (SCCOHT) are exceedingly rare (Kosho T et al. Am J Med Genet C Semin Med Genet. 2014 Sep;166C(3):262-75; Jelinic P et al. Nat Genet. 2014 May;46(5):424-6). Since supporting evidence is limited at this time, the clinical significance of this alteration remains unclear.

NM_003072.5(SMARCA4):c.1084G>C (p.Asp362His)

Gene: SMARCA4 (SWI/SNF related BAF chromatin remodeling complex subunit ATPase 4; plus strand). Cytogenetic location: 19p13.2.
Variant type: single nucleotide variant.
Coding change: c.1084G>C on transcript NM_003072.5 (MANE Select); coding-DNA position 1084, G replaced by C.
Protein change: p.Asp362His; replaces aspartic acid 362 with histidine.
Molecular consequence: missense variant. On other transcripts: non-coding transcript variant (1).
Genome position (GRCh38, 1-based): chr19:10,987,890, G>C. VCF-style: chr19-10987890-G-C. GRCh37 (hg19) VCF-style: chr19-11098566-G-C.
Other names: c.1084G>C, p.Asp362His (NM_001128844.3, NM_001128845.2, NM_001128846.2 and 6 more transcripts); short protein forms D362H.
Identifiers: ClinVar variation 1787329 (VCV001787329.5), dbSNP rs776534924, ClinGen allele CA404058835.